The following is an entry in ClinVar:

ClinVar aggregate classification (germline): Uncertain significance (1 of 4 stars; one submission).

Conditions:
Pitt-Hopkins-like syndrome 2 (PTHSL2). Identifiers: Orphanet 221150, Orphanet 600663, MedGen C3280479, MONDO:0013690, OMIM 614325.

Allele frequency attached by ClinVar (database versions not stated): gnomAD exomes below 0.00001.
gnomAD v4.1: 1 of 1,612,782 alleles (0.000062%); highest among the groups gnomAD compares: Non-Finnish European, 0.000085%; no homozygotes.

Submission:

Labcorp Genetics (formerly Invitae), Labcorp
Classification: Uncertain significance for Pitt-Hopkins-like syndrome 2. Last evaluated: 2022-07-12. Review status: criteria provided, single submitter. Criteria: Invitae Variant Classification Sherloc (09022015). Collection method: clinical testing. Allele origin: germline.
Comment: In summary, the available evidence is currently insufficient to determine the role of this variant in disease. Therefore, it has been classified as a Variant of Uncertain Significance. Variants that disrupt the consensus splice site are a relatively common cause of aberrant splicing (PMID: 17576681, 9536098). Algorithms developed to predict the effect of sequence changes on RNA splicing suggest that this variant is not likely to affect RNA splicing. ClinVar contains an entry for this variant (Variation ID: 539892). This variant has not been reported in the literature in individuals affected with NRXN1-related conditions. This variant is not present in population databases (gnomAD no frequency). This sequence change falls in intron 18 of the NRXN1 gene. It does not directly change the encoded amino acid sequence of the NRXN1 protein. It affects a nucleotide within the consensus splice site.

Literature cited by the submitters: PubMed 17576681; PubMed 9536098.

NM_001330078.2(NRXN1):c.3365-3C>T

Gene: NRXN1 (neurexin 1; minus strand). Cytogenetic location: 2p16.3.
Variant type: single nucleotide variant.
Coding change: c.3365-3C>T on transcript NM_001330078.2 (MANE Select); 3 bases into the intron before coding-DNA position 3365, C replaced by T.
Molecular consequence: intron variant.
Genome position (GRCh38, 1-based): chr2:50,236,973, G>A on the plus strand (C>T on the coding strand, the complement: NRXN1 is on the minus strand). VCF-style: chr2-50236973-G-A. GRCh37 (hg19) VCF-style: chr2-50464111-G-A.
Other names: c.3254-3C>T (NM_001330096.2, NM_001330087.2); c.3299-3C>T (NM_001330083.2, NM_001330084.2); c.3284-3C>T (NM_001330088.2); c.3362-3C>T (NM_001330093.2); c.3353-3C>T (NM_001330094.2); c.3314-3C>T (NM_001330095.2); c.3341-3C>T (NM_001330082.2, NM_001330077.2); c.3338-3C>T (NM_001330085.2); and 3 more.
Identifiers: ClinVar variation 539892 (VCV000539892.8), dbSNP rs1553807559, ClinGen allele CA658795792.